The following is an entry in ClinVar:

NM_000138.5(FBN1):c.3012C>T (p.Tyr1004=)

Gene: FBN1 (fibrillin 1; minus strand). Cytogenetic location: 15q21.1.
Variant type: single nucleotide variant.
Coding change: c.3012C>T on transcript NM_000138.5 (MANE Select); coding-DNA position 3012, C replaced by T.
Protein change: p.Tyr1004=; no amino-acid change (tyrosine 1004 retained).
Molecular consequence: synonymous variant.
Genome position (GRCh38, 1-based): chr15:48,489,921, G>A on the plus strand (C>T on the coding strand, the complement: FBN1 is on the minus strand). VCF-style: chr15-48489921-G-A. GRCh37 (hg19) VCF-style: chr15-48782118-G-A.
Identifiers: ClinVar variation 920922 (VCV000920922.10), dbSNP rs397515784, ClinGen allele CA490308200.

ClinVar aggregate classification (germline): Likely benign. Review status: criteria provided, multiple submitters, no conflicts (2 of 4 stars). 3 submissions from 3 submitters: Likely benign (3). Last evaluated 2023-04-03.

Conditions:
Familial thoracic aortic aneurysm and aortic dissection (TAAD). Also called: Thoracic aortic aneurysms and dissections. Identifiers: Orphanet 91387, MedGen C4707243, MONDO:0019625.
Marfan syndrome (MFS). Also called: Marfan syndrome, classic; Marfan syndrome type 1; Marfan's syndrome; FBN1-Related Marfan Syndrome; MARFAN SYNDROME, TYPE I. Identifiers: Orphanet 284963, Orphanet 558, MedGen C0024796, MONDO:0007947, OMIM 154700.

Allele frequency attached by ClinVar (database versions not stated): gnomAD exomes below 0.00001.
gnomAD v4.1: 4 of 1,614,088 alleles (0.00025%); highest among the groups gnomAD compares: South Asian, 0.0022%; no homozygotes.

Submissions (3):

All of Us Research Program, National Institutes of Health
Classification: Likely benign for Marfan syndrome. Last evaluated: 2023-04-03. Review status: criteria provided, single submitter. Criteria: ACMG Guidelines, 2015. Collection method: clinical testing. Allele origin: germline. Inheritance: Autosomal dominant inheritance. Observed: 1 variant allele, 1 heterozygote.
Comment: This study involves interpretation of variants in research participants for the purpose of population health screening. Participant phenotype was not available at the time of variant classification. Additional details can be found in publication PMID: 35346344, PMCID: PMC8962531

Labcorp Genetics (formerly Invitae), Labcorp
Classification: Likely benign for Marfan syndrome; Familial thoracic aortic aneurysm and aortic dissection. Last evaluated: 2022-06-13. Review status: criteria provided, single submitter. Criteria: Invitae Variant Classification Sherloc (09022015). Collection method: clinical testing. Allele origin: germline.

Color Diagnostics, LLC DBA Color Health
Classification: Likely benign for Familial thoracic aortic aneurysm and aortic dissection. Last evaluated: 2019-12-09. Review status: criteria provided, single submitter. Criteria: ACMG Guidelines, 2015. Collection method: clinical testing. Allele origin: germline.